The following is an entry in ClinVar:

ClinVar aggregate classification (germline): Likely benign (1 of 4 stars; one submission).

Conditions:
Cayman type cerebellar ataxia. Also called: Cayman ataxia. Identifiers: Orphanet 94122, MedGen C1832585, MONDO:0011025, OMIM 601238.

Allele frequency attached by ClinVar (database versions not stated): gnomAD 0.00011 and 0.00048; TOPMed 0.00012; 1000 Genomes Project 0.00379; 1000 Genomes Project 30x 0.00390.

Submission:

Illumina Laboratory Services, Illumina
Classification: Likely benign for Cayman type cerebellar ataxia. Last evaluated: 2018-01-13. Review status: criteria provided, single submitter. Criteria: ICSL Variant Classification Criteria 13 December 2019. Collection method: clinical testing. Allele origin: germline.
Comment: This variant was observed in the ICSL laboratory as part of a predisposition screen in an ostensibly healthy population. It had not been previously curated by ICSL or reported in the Human Gene Mutation Database (HGMD: prior to June 1st, 2018), and was therefore a candidate for classification through an automated scoring system. Utilizing variant allele frequency, disease prevalence and penetrance estimates, and inheritance mode, an automated score was calculated to assess if this variant is too frequent to cause the disease. Based on the score and internal cut-off values, a variant classified as likely benign is not then subjected to further curation. The score for this variant resulted in a classification of likely benign for this disease.

NM_033064.5(ATCAY):c.*3376C>T

Gene: ATCAY (ATCAY kinesin light chain interacting caytaxin; plus strand). Cytogenetic location: 19p13.3.
Variant type: single nucleotide variant.
Coding change: c.*3376C>T on transcript NM_033064.5 (MANE Select); 3376 bases downstream of the stop codon, C replaced by T.
Molecular consequence: 3 prime UTR variant.
Genome position (GRCh38, 1-based): chr19:3,927,968, C>T. VCF-style: chr19-3927968-C-T. GRCh37 (hg19) VCF-style: chr19-3927966-C-T.
Identifiers: ClinVar variation 329204 (VCV000329204.5), dbSNP rs76339349, ClinGen allele CA10651939.